The following is an entry in ClinVar:

ClinVar aggregate classification (germline): Conflicting classifications of pathogenicity. Review status: criteria provided, conflicting classifications (1 of 4 stars). 2 submissions from 2 submitters: Uncertain significance (1); Likely benign (1). Last evaluated 2025-09-01.

Allele frequency attached by ClinVar (database versions not stated): ESP Exome Variant Server 0.00008; 1000 Genomes Project 0.00020; 1000 Genomes Project 30x 0.00047.

Submissions (2):

Ambry Genetics
Classification: Uncertain significance. Last evaluated: 2025-09-01. Review status: criteria provided, single submitter. Criteria: Ambry Variant Classification Scheme 2023. Collection method: clinical testing. Allele origin: germline.

CeGaT Center for Human Genetics Tuebingen
Classification: Likely benign. Last evaluated: 2023-06-01. Review status: criteria provided, single submitter. Criteria: CeGaT Center For Human Genetics Tuebingen Variant Classification Criteria Version 2. Collection method: clinical testing. Allele origin: germline. Affected: yes. Observed: 1 variant allele.
Comment: CELSR3: PP2, BS2

NM_001407.3(CELSR3):c.6295C>T (p.Arg2099Cys)

Gene: CELSR3 (cadherin EGF LAG seven-pass G-type receptor 3; minus strand). Cytogenetic location: 3p21.31.
Variant type: single nucleotide variant.
Coding change: c.6295C>T on transcript NM_001407.3 (MANE Select); coding-DNA position 6295, C replaced by T.
Protein change: p.Arg2099Cys; replaces arginine 2099 with cysteine.
Molecular consequence: missense variant.
Genome position (GRCh38, 1-based): chr3:48,650,967, G>A on the plus strand (C>T on the coding strand, the complement: CELSR3 is on the minus strand). VCF-style: chr3-48650967-G-A. GRCh37 (hg19) VCF-style: chr3-48688400-G-A.
Other names: short protein forms R2099C.
Identifiers: ClinVar variation 2568669 (VCV002568669.27), dbSNP rs141355499, ClinGen allele CA2384506.